The following is an entry in ClinVar:

NM_004360.5(CDH1):c.1320+7A>G

Gene: CDH1 (cadherin 1; plus strand). Cytogenetic location: 16q22.1.
Variant type: single nucleotide variant.
Coding change: c.1320+7A>G on transcript NM_004360.5 (MANE Select); 7 bases into the intron after coding-DNA position 1320, A replaced by G.
Molecular consequence: intron variant. On other transcripts: 5 prime UTR variant (1).
Genome position (GRCh38, 1-based): chr16:68,813,502, A>G. VCF-style: chr16-68813502-A-G. GRCh37 (hg19) VCF-style: chr16-68847405-A-G.
Other names: c.-289A>G (NM_001317185.2); c.-500+7A>G (NM_001317186.2); c.1137+1239A>G (NM_001317184.2).
Identifiers: ClinVar variation 3378795 (VCV003378795.1).

ClinVar aggregate classification (germline): Likely benign (1 of 4 stars; one submission).

Conditions:
Hereditary diffuse gastric adenocarcinoma (HDGC). Also called: DIFFUSE GASTRIC AND LOBULAR BREAST CANCER SYNDROME. Identifiers: Orphanet 26106, MedGen C1708349, MONDO:0007648, OMIM 137215.

gnomAD v4.1: 1 of 1,613,920 alleles (0.000062%); highest among the groups gnomAD compares: Non-Finnish European, 0.000085%; no homozygotes.

Submission:

Myriad Genetics, Inc.
Classification: Likely benign for Hereditary diffuse gastric adenocarcinoma. Last evaluated: 2024-09-18. Review status: criteria provided, single submitter. Criteria: Myriad Autosomal Dominant, Autosomal Recessive and X-Linked Classification Criteria (2023). Collection method: clinical testing. Allele origin: unknown.
Comment: This variant is considered likely benign. This variant is intronic and is not expected to impact mRNA splicing.